The following is an entry in ClinVar:

NM_031885.5(BBS2):c.590_591del (p.Val197fs)

Gene: BBS2 (Bardet-Biedl syndrome 2; minus strand). Cytogenetic location: 16q13.
Variant type: Microsatellite.
Coding change: c.590_591del on transcript NM_031885.5 (MANE Select); coding-DNA positions 590 to 591, 2 bases deleted (TG; older notation c.590_591delTG).
Protein change: p.Val197fs; shifts the reading frame from valine 197.
Molecular consequence: frameshift variant. On other transcripts: non-coding transcript variant (5).
Genome position (GRCh38, 1-based): chr16:56,509,978-56,509,979, CA deleted on the plus strand (TG on the coding strand, the reverse complement: BBS2 is on the minus strand); deleting any 2 consecutive bases within chr16:56,509,978-56,509,981 gives the same sequence; the c. name uses the placement nearest the transcript's 3' end. VCF-style (leftmost placement, unchanged base first): chr16-56509977-CCA-C. GRCh37 (hg19) VCF-style: chr16-56543889-CCA-C.
Other names: c.590_591del, p.Val197fs (NM_001377456.1); short protein forms V197fs.
Identifiers: ClinVar variation 2763392 (VCV002763392.3), dbSNP rs2543729611, ClinGen allele CA2697555832.

ClinVar aggregate classification (germline): Pathogenic (1 of 4 stars; one submission).

Conditions:
Bardet-Biedl syndrome (BBS). Identifiers: Orphanet 110, MedGen C0752166, MONDO:0015229.

Submission:

Labcorp Genetics (formerly Invitae), Labcorp
Classification: Pathogenic for Bardet-Biedl syndrome. Last evaluated: 2023-09-26. Review status: criteria provided, single submitter. Criteria: Invitae Variant Classification Sherloc (09022015). Collection method: clinical testing. Allele origin: germline.
Comment: This sequence change creates a premature translational stop signal (p.Val197Glyfs*33) in the BBS2 gene. It is expected to result in an absent or disrupted protein product. Loss-of-function variants in BBS2 are known to be pathogenic (PMID: 11285252, 20177705, 24608809, 26518167). This variant is not present in population databases (gnomAD no frequency). This variant has not been reported in the literature in individuals affected with BBS2-related conditions. For these reasons, this variant has been classified as Pathogenic.

Literature cited by the submitters: PubMed 11285252; PubMed 20177705; PubMed 24608809; PubMed 26518167.